The following is an entry in ClinVar:

ClinVar aggregate classification (germline): Uncertain significance (1 of 4 stars; one submission).

Conditions:
Hereditary pheochromocytoma and paraganglioma. Also called: Hereditary paragangliomas and pheochromocytomas; Hereditary pheochromocytoma-paraganglioma; Hereditary Paraganglioma-Pheochromocytoma Syndromes. Identifiers: Orphanet 29072, MedGen C4274332, MONDO:0017366.

Submission:

Labcorp Genetics (formerly Invitae), Labcorp
Classification: Uncertain significance for Hereditary pheochromocytoma and paraganglioma. Last evaluated: 2021-04-21. Review status: criteria provided, single submitter. Criteria: Invitae Variant Classification Sherloc (09022015). Collection method: clinical testing. Allele origin: germline.
Comment: In summary, the available evidence is currently insufficient to determine the role of this variant in disease. Therefore, it has been classified as a Variant of Uncertain Significance. Algorithms developed to predict the effect of missense changes on protein structure and function (SIFT, PolyPhen-2, Align-GVGD) all suggest that this variant is likely to be disruptive, but these predictions have not been confirmed by published functional studies and their clinical significance is uncertain. This variant has not been reported in the literature in individuals with TMEM127-related disease. This variant is not present in population databases (ExAC no frequency). This sequence change replaces leucine with arginine at codon 195 of the TMEM127 protein (p.Leu195Arg). The leucine residue is highly conserved and there is a moderate physicochemical difference between leucine and arginine.

NM_017849.4(TMEM127):c.584T>G (p.Leu195Arg)

Gene: TMEM127 (transmembrane protein 127; minus strand). Cytogenetic location: 2q11.2.
Variant type: single nucleotide variant.
Coding change: c.584T>G on transcript NM_017849.4 (MANE Select); coding-DNA position 584, T replaced by G.
Protein change: p.Leu195Arg; replaces leucine 195 with arginine.
Molecular consequence: missense variant.
Genome position (GRCh38, 1-based): chr2:96,253,941, A>C on the plus strand (T>G on the coding strand, the complement: TMEM127 is on the minus strand). VCF-style: chr2-96253941-A-C. GRCh37 (hg19) VCF-style: chr2-96919679-A-C.
Other names: c.584T>G, p.Leu195Arg (NM_001193304.3); short protein forms L195R.
Identifiers: ClinVar variation 650380 (VCV000650380.8), dbSNP rs1573969123, ClinGen allele CA347652180.
Genomic context (GRCh38, chr2:96,253,941, plus strand): 5'-TCCATCTCTGAGAGCAGCTCCAGCGCCTGCTCCTCTTCCTCTGTGGGGTAGTGGCGCAGG[A>C]GGTTGGCTGCCGTGGCCAGGATTGAGGCTCCACCAGCTCCTGCCACCAGGTAGAAGCTAA-3'
Protein context (NP_060319.1, residues 185-205): GASILATAAN[Leu195Arg]LRHYPTEEEE